The following is an entry in ClinVar:

ClinVar aggregate classification (germline): Uncertain significance (1 of 4 stars; one submission).

Conditions:
Charcot-Marie-Tooth disease type 4. Also called: Charcot-Marie-Tooth disease, type IV; Charcot-Marie-Tooth, Type 4. Identifiers: Orphanet 64749, MedGen C4082197, MONDO:0018995.

Allele frequency attached by ClinVar (database versions not stated): ExAC 0.00001; gnomAD 0.00001; gnomAD exomes 0.00002; TOPMed 0.00002.

Submission:

Labcorp Genetics (formerly Invitae), Labcorp
Classification: Uncertain significance for Charcot-Marie-Tooth disease type 4. Last evaluated: 2022-08-09. Review status: criteria provided, single submitter. Criteria: Invitae Variant Classification Sherloc (09022015). Collection method: clinical testing. Allele origin: germline.
Comment: This sequence change replaces arginine, which is basic and polar, with glutamine, which is neutral and polar, at codon 6 of the PRX protein (p.Arg6Gln). This variant is present in population databases (rs774078598, gnomAD 0.006%). This variant has not been reported in the literature in individuals affected with PRX-related conditions. ClinVar contains an entry for this variant (Variation ID: 1449840). Algorithms developed to predict the effect of missense changes on protein structure and function output the following: SIFT: "Deleterious"; PolyPhen-2: "Not Available"; Align-GVGD: "Class C0". The glutamine amino acid residue is found in multiple mammalian species, which suggests that this missense change does not adversely affect protein function. In summary, the available evidence is currently insufficient to determine the role of this variant in disease. Therefore, it has been classified as a Variant of Uncertain Significance.

NM_181882.3(PRX):c.17G>A (p.Arg6Gln)

Gene: PRX (periaxin; minus strand). Cytogenetic location: 19q13.2.
Variant type: single nucleotide variant.
Coding change: c.17G>A on transcript NM_181882.3 (MANE Select); coding-DNA position 17, G replaced by A.
Protein change: p.Arg6Gln; replaces arginine 6 with glutamine.
Molecular consequence: missense variant.
Genome position (GRCh38, 1-based): chr19:40,407,916, C>T on the plus strand (G>A on the coding strand, the complement: PRX is on the minus strand). VCF-style: chr19-40407916-C-T. GRCh37 (hg19) VCF-style: chr19-40913823-C-T.
Other names: c.17G>A, p.Arg6Gln (NM_020956.2); short protein forms R6Q.
Identifiers: ClinVar variation 1449840 (VCV001449840.8), dbSNP rs774078598, ClinGen allele CA9444627.
Genomic context (GRCh38, chr19:40,407,916, plus strand): 5'-TGCCTCCCCATTGCCCTCAAGTGCGCCTTGCAGGACACGTGGGCACTCACCTCGGCACTC[C>T]GGCTCCTGGCCTCCATGGCGTTGCTGGGAGGCACCTGCACCCCAGGCTCCTGTGTCCTCT-3'
Protein context (NP_870998.2, residues 1-16): MEARS[Arg6Gln]SAEELRRAEL